The following is an entry in ClinVar:

ClinVar aggregate classification (germline): Uncertain significance (1 of 4 stars; one submission).

Submission:

GeneDx
Classification: Uncertain significance. Last evaluated: 2024-05-29. Review status: criteria provided, single submitter. Criteria: GeneDx Variant Classification Process June 2021. Collection method: clinical testing. Allele origin: germline. Affected: yes.
Comment: Not observed at significant frequency in large population cohorts (gnomAD); In silico analysis supports that this missense variant has a deleterious effect on protein structure/function; Has not been previously published as pathogenic or benign to our knowledge

NM_001367873.1(SOX6):c.196G>C (p.Asp66His)

Gene: SOX6 (SRY-box transcription factor 6; minus strand). Cytogenetic location: 11p15.2.
Variant type: single nucleotide variant.
Coding change: c.196G>C on transcript NM_001367873.1 (MANE Select); coding-DNA position 196, G replaced by C.
Protein change: p.Asp66His; replaces aspartic acid 66 with histidine.
Molecular consequence: missense variant.
Genome position (GRCh38, 1-based): chr11:16,341,053, C>G on the plus strand (G>C on the coding strand, the complement: SOX6 is on the minus strand). VCF-style: chr11-16341053-C-G. GRCh37 (hg19) VCF-style: chr11-16362599-C-G.
Other names: c.196G>C, p.Asp66His (NM_001145811.2, NM_001145819.2, NM_001367872.1 and 2 more transcripts); short protein forms D66H.
Identifiers: ClinVar variation 3383841 (VCV003383841.1).